The following is an entry in ClinVar:

NM_138295.5(PKD1L1):c.6723C>T (p.Gly2241=)

Gene: PKD1L1 (polycystin 1 like 1, transient receptor potential channel interacting; minus strand). Cytogenetic location: 7p12.3.
Variant type: single nucleotide variant.
Coding change: c.6723C>T on transcript NM_138295.5 (MANE Select); coding-DNA position 6723, C replaced by T.
Protein change: p.Gly2241=; no amino-acid change (glycine 2241 retained).
Molecular consequence: synonymous variant.
Genome position (GRCh38, 1-based): chr7:47,829,437, G>A on the plus strand (C>T on the coding strand, the complement: PKD1L1 is on the minus strand). VCF-style: chr7-47829437-G-A. GRCh37 (hg19) VCF-style: chr7-47869035-G-A.
Identifiers: ClinVar variation 4986861 (VCV004986861.1).

ClinVar aggregate classification (germline): Uncertain significance (1 of 4 stars; one submission).

Conditions:
PKD1L1-related disorder. Also called: PKD1L1-related condition.

gnomAD v4.1: 11 of 1,605,858 alleles (0.00068%); highest among the groups gnomAD compares: Admixed American, 0.0052%; no homozygotes.

Submission:

PreventionGenetics, part of Exact Sciences
Classification: Uncertain significance for PKD1L1-related condition. Last evaluated: 2025-10-27. Review status: criteria provided, single submitter. Criteria: ACMG Guidelines, 2015. Collection method: clinical testing. Allele origin: germline.
Comment: The PKD1L1 c.6723C>T variant is not predicted to result in an amino acid change (p.=). This variant is predicted to alter splicing based on available splicing prediction programs (SpliceAI, Jaganathan et al. 2019. PubMed ID: 30661751). However, the use of computer prediction programs is not equivalent to functional evidence. To our knowledge, this variant has not been reported in the literature. This variant is reported in 0.0031% of alleles in individuals of Latino descent in gnomAD. At this time, the clinical significance of this variant is uncertain due to the absence of conclusive functional and genetic evidence.